The following is an entry in ClinVar:

ClinVar aggregate classification (germline): Likely benign (1 of 4 stars; one submission).

Allele frequency attached by ClinVar (database versions not stated): gnomAD exomes 0.00002; ExAC 0.00002; gnomAD 0.00002; TOPMed 0.00002.
gnomAD v4.1: 22 of 1,199,820 alleles (0.0018%); highest among the groups gnomAD compares: Non-Finnish European, 0.0019%; no homozygotes.

Submission:

CeGaT Center for Human Genetics Tuebingen
Classification: Likely benign. Last evaluated: 2022-07-01. Review status: criteria provided, single submitter. Criteria: CeGaT Center For Human Genetics Tuebingen Variant Classification Criteria Version 2. Collection method: clinical testing. Allele origin: germline. Affected: yes. Observed: 1 variant allele.
Comment: AWAT1: BP4, BP7

NM_001013579.3(AWAT1):c.456C>G (p.Ala152=)

Gene: AWAT1 (acyl-CoA wax alcohol acyltransferase 1; plus strand). Cytogenetic location: Xq13.1.
Variant type: single nucleotide variant.
Coding change: c.456C>G on transcript NM_001013579.3 (MANE Select); coding-DNA position 456, C replaced by G.
Protein change: p.Ala152=; no amino-acid change (alanine 152 retained).
Molecular consequence: synonymous variant.
Genome position (GRCh38, 1-based): chrX:70,237,244, C>G. VCF-style: chrX-70237244-C-G. GRCh37 (hg19) VCF-style: chrX-69457094-C-G.
Identifiers: ClinVar variation 2660806 (VCV002660806.24), dbSNP rs772863169, ClinGen allele CA10439924.